The following is an entry in ClinVar:

NM_015662.3(IFT172):c.39+5G>A

Gene: IFT172 (intraflagellar transport 172; minus strand). Cytogenetic location: 2p23.3.
Variant type: single nucleotide variant.
Coding change: c.39+5G>A on transcript NM_015662.3 (MANE Select); 5 bases into the intron after coding-DNA position 39, G replaced by A.
Molecular consequence: intron variant.
Genome position (GRCh38, 1-based): chr2:27,489,610, C>T on the plus strand (G>A on the coding strand, the complement: IFT172 is on the minus strand). VCF-style: chr2-27489610-C-T. GRCh37 (hg19) VCF-style: chr2-27712477-C-T.
Other names: IVS1DS, G-A, +5.
Identifiers: ClinVar variation 1311183 (VCV001311183.2), dbSNP rs1669021752, ClinGen allele CA1240302224.

ClinVar aggregate classification (germline): Uncertain significance. Review status: criteria provided, single submitter (1 of 4 stars). 2 submissions from 2 submitters: Uncertain significance (1). 1 of the submissions does not count toward it. Last evaluated 2020-01-16.

gnomAD v4.1: 4 of 1,610,662 alleles (0.00025%); highest among the groups gnomAD compares: East Asian, 0.0089%; no homozygotes.

Submissions (2):

GeneDx
Classification: Uncertain significance. Last evaluated: 2020-01-16. Review status: criteria provided, single submitter. Criteria: GeneDx Variant Classification Process June 2021. Collection method: clinical testing. Allele origin: germline. Affected: yes.
Comment: Not observed in large population cohorts (Lek et al., 2016); In-silico analysis, which includes splice predictors and evolutionary conservation, is inconclusive as to whether the variant alters gene splicing. In the absence of RNA/functional studies, the actual effect of this sequence change is unknown.; Has not been previously published as pathogenic or benign to our knowledge; This variant is associated with the following publications: (PMID: 31587445)

OMIM
Classification: Uncertain significance for VARIANT OF UNKNOWN SIGNIFICANCE. Last evaluated: 2021-11-01. Review status: no assertion criteria provided. Collection method: literature only. Allele origin: germline. Not counted in ClinVar's aggregate classification.

Literature cited by the submitters: PubMed 31587445 (cited by OMIM).